The following is an entry in ClinVar:

NM_006517.5(SLC16A2):c.731T>A (p.Met244Lys)

Gene: SLC16A2 (solute carrier family 16 member 2; plus strand). Cytogenetic location: Xq13.2.
Variant type: single nucleotide variant.
Coding change: c.731T>A on transcript NM_006517.5 (MANE Select); coding-DNA position 731, T replaced by A.
Protein change: p.Met244Lys; replaces methionine 244 with lysine.
Molecular consequence: missense variant.
Genome position (GRCh38, 1-based): chrX:74,524,514, T>A. VCF-style: chrX-74524514-T-A. GRCh37 (hg19) VCF-style: chrX-73744349-T-A.
Other names: short protein forms M244K.
Identifiers: ClinVar variation 1498254 (VCV001498254.8), dbSNP rs2147870573, ClinGen allele CA413657161.

ClinVar aggregate classification (germline): Uncertain significance (1 of 4 stars; one submission).

Conditions:
Spastic paraplegia. Identifiers: MedGen C0037772, HP:0001258.

Submission:

Labcorp Genetics (formerly Invitae), Labcorp
Classification: Uncertain significance for Spastic paraplegia. Last evaluated: 2024-10-15. Review status: criteria provided, single submitter. Criteria: Invitae Variant Classification Sherloc (09022015). Collection method: clinical testing. Allele origin: germline.
Comment: This sequence change replaces methionine, which is neutral and non-polar, with lysine, which is basic and polar, at codon 244 of the SLC16A2 protein (p.Met244Lys). This variant is not present in population databases (gnomAD no frequency). This variant has not been reported in the literature in individuals affected with SLC16A2-related conditions. ClinVar contains an entry for this variant (Variation ID: 1498254). Invitae Evidence Modeling of protein sequence and biophysical properties (such as structural, functional, and spatial information, amino acid conservation, physicochemical variation, residue mobility, and thermodynamic stability) indicates that this missense variant is expected to disrupt SLC16A2 protein function with a positive predictive value of 80%. In summary, the available evidence is currently insufficient to determine the role of this variant in disease. Therefore, it has been classified as a Variant of Uncertain Significance.